The following is an entry in ClinVar:

NM_005245.4(FAT1):c.11410G>A (p.Glu3804Lys)

Gene: FAT1 (FAT atypical cadherin 1; minus strand). Cytogenetic location: 4q35.2.
Variant type: single nucleotide variant.
Coding change: c.11410G>A on transcript NM_005245.4 (MANE Select); coding-DNA position 11410, G replaced by A.
Protein change: p.Glu3804Lys; replaces glutamic acid 3804 with lysine.
Molecular consequence: missense variant.
Genome position (GRCh38, 1-based): chr4:186,602,975, C>T on the plus strand (G>A on the coding strand, the complement: FAT1 is on the minus strand). VCF-style: chr4-186602975-C-T. GRCh37 (hg19) VCF-style: chr4-187524129-C-T.
Other names: short protein forms E3804K.
Identifiers: ClinVar variation 1049286 (VCV001049286.1), dbSNP rs375766862, ClinGen allele CA3165118.

ClinVar aggregate classification (germline): Uncertain significance (0 of 4 stars; one submission).

Allele frequency attached by ClinVar (database versions not stated): gnomAD 0.00001; gnomAD exomes 0.00001; ExAC 0.00002.
gnomAD v4.1: 7 of 1,613,840 alleles (0.00043%); highest among the groups gnomAD compares: African/African-American, 0.0027%; no homozygotes.

Submission:

Department of Pathology and Laboratory Medicine, Sinai Health System
Classification: Uncertain significance. Review status: no assertion criteria provided. Collection method: clinical testing. Allele origin: unknown. Affected: yes. Study: The Canadian Open Genetics Repository (COGR).
Comment: The FAT1 p.Glu3804Lys variant was not identified in the literature nor was it identified in ClinVar or Cosmic. The variant was identified in dbSNP (ID: rs375766862) and in control databases in 1 of 234838 chromosomes at a frequency of 0.000004258 (Genome Aggregation Database March 6, 2019, v2.1.1, non-cancer). The variant was observed in the European (non-Finnish) population in 1 of 102082 chromosomes (freq: 0.00001), but was not observed in the African, Latino, Ashkenazi Jewish, East Asian, European (Finnish), Other, or South Asian populations. The p.Glu3804 residue is conserved in mammals and computational analyses (PolyPhen-2, SIFT, AlignGVGD, BLOSUM, MutationTaster) provide inconsistent predictions regarding the impact to the protein; this information is not very predictive of pathogenicity. The variant occurs outside of the splicing consensus sequence and 1 of 4 in silico or computational prediction software programs (SpliceSiteFinder, MaxEntScan, NNSPLICE, GeneSplicer) predict a greater than 10% difference in splicing; this is not very predictive of pathogenicity. In summary, based on the above information the clinical significance of this variant cannot be determined with certainty at this time. This variant is classified as a variant of uncertain significance.